The following is an entry in ClinVar:

ClinVar aggregate classification (germline): Uncertain significance (1 of 4 stars; one submission).

Conditions:
Cystic fibrosis (CF). Also called: MUCOVISCIDOSIS. Identifiers: Orphanet 586, MedGen C0010674, MONDO:0009061, OMIM 219700. Disease mechanism: loss of function.

Submission:

Ambry Genetics
Classification: Uncertain significance for Cystic fibrosis. Last evaluated: 2025-09-19. Review status: criteria provided, single submitter. Criteria: Ambry Variant Classification Scheme 2023. Collection method: clinical testing. Allele origin: germline.
Comment: The p.F224S variant (also known as c.671T>C), located in coding exon 6 of the CFTR gene, results from a T to C substitution at nucleotide position 671. The phenylalanine at codon 224 is replaced by serine, an amino acid with highly dissimilar properties. This amino acid position is conserved. In addition, this alteration is predicted to be deleterious by in silico analysis. Since supporting evidence is limited at this time, the clinical significance of this alteration remains unclear.

NM_000492.4(CFTR):c.671T>C (p.Phe224Ser)

Gene: CFTR (CF transmembrane conductance regulator; plus strand). Cytogenetic location: 7q31.2.
Variant type: single nucleotide variant.
Coding change: c.671T>C on transcript NM_000492.4 (MANE Select); coding-DNA position 671, T replaced by C.
Protein change: p.Phe224Ser; replaces phenylalanine 224 with serine.
Molecular consequence: missense variant.
Genome position (GRCh38, 1-based): chr7:117,535,339, T>C. VCF-style: chr7-117535339-T-C. GRCh37 (hg19) VCF-style: chr7-117175393-T-C.
Other names: short protein forms F224S.
Identifiers: ClinVar variation 1755090 (VCV001755090.3), dbSNP rs1798933837, ClinGen allele CA368977008.